The following is an entry in ClinVar:

ClinVar aggregate classification (germline): Uncertain significance (1 of 4 stars; one submission).

Conditions:
Renal cell carcinoma. Identifiers: Orphanet 217071, MedGen C0007134, MeSH D002292, MONDO:0005086, HP:0005584.

Submission:

Labcorp Genetics (formerly Invitae), Labcorp
Classification: Uncertain significance for Renal cell carcinoma. Last evaluated: 2025-07-13. Review status: criteria provided, single submitter. Criteria: Invitae Variant Classification Sherloc (09022015). Collection method: clinical testing. Allele origin: germline.
Comment: This sequence change replaces methionine, which is neutral and non-polar, with leucine, which is neutral and non-polar, at codon 1149 of the MET protein (p.Met1149Leu). This variant is not present in population databases (gnomAD no frequency). This variant has not been reported in the literature in individuals affected with MET-related conditions. Invitae Evidence Modeling of protein sequence and biophysical properties (such as structural, functional, and spatial information, amino acid conservation, physicochemical variation, residue mobility, and thermodynamic stability) indicates that this missense variant is expected to disrupt MET protein function with a positive predictive value of 80%. This variant disrupts the p.Met1149 amino acid residue in MET. Other variant(s) that disrupt this residue have been determined to be pathogenic (PMID: 9140397). This suggests that this residue is clinically significant, and that variants that disrupt this residue are likely to be disease-causing. In summary, the available evidence is currently insufficient to determine the role of this variant in disease. Therefore, it has been classified as a Variant of Uncertain Significance.

Literature cited by the submitters: PubMed 9140397.

NM_000245.4(MET):c.3391A>T (p.Met1131Leu)

Gene: MET (MET proto-oncogene, receptor tyrosine kinase; plus strand). Cytogenetic location: 7q31.2.
Variant type: single nucleotide variant.
Coding change: c.3391A>T on transcript NM_000245.4 (MANE Select); coding-DNA position 3391, A replaced by T.
Protein change: p.Met1131Leu; replaces methionine 1131 with leucine.
Molecular consequence: missense variant.
Genome position (GRCh38, 1-based): chr7:116,778,826, A>T. VCF-style: chr7-116778826-A-T. GRCh37 (hg19) VCF-style: chr7-116418880-A-T.
Other names: c.3445A>T, p.Met1149Leu (NM_001127500.3); c.2101A>T, p.Met701Leu (NM_001324402.2); short protein forms M1149L, M1131L, M701L.
Identifiers: ClinVar variation 4743443 (VCV004743443.1).